The following is an entry in ClinVar:

NM_153704.6(TMEM67):c.55G>T (p.Ala19Ser)

Gene: TMEM67 (transmembrane protein 67; plus strand). Cytogenetic location: 8q22.1.
Variant type: single nucleotide variant.
Coding change: c.55G>T on transcript NM_153704.6 (MANE Select); coding-DNA position 55, G replaced by T.
Protein change: p.Ala19Ser; replaces alanine 19 with serine.
Molecular consequence: missense variant. On other transcripts: non-coding transcript variant (1), intron variant (1).
Genome position (GRCh38, 1-based): chr8:93,754,969, G>T. VCF-style: chr8-93754969-G-T. GRCh37 (hg19) VCF-style: chr8-94767197-G-T.
Other names: c.-179-51G>T (NM_001142301.1); short protein forms A19S.
Identifiers: ClinVar variation 1391815 (VCV001391815.6), dbSNP rs1300371747, ClinGen allele CA371685148.

ClinVar aggregate classification (germline): Uncertain significance (1 of 4 stars; one submission).

Conditions:
Joubert syndrome. Also called: CEREBELLOPARENCHYMAL DISORDER IV; JOUBERT-BOLTSHAUSER SYNDROME; Familial aplasia of the vermis. Identifiers: Orphanet 475, MedGen C5979921, MONDO:0018772.
Meckel-Gruber syndrome. Also called: DYSENCEPHALIA SPLANCHNOCYSTICA; GRUBER SYNDROME; Dysencephalia splachnocystica. Identifiers: Orphanet 564, MedGen C0265215, MONDO:0018921.

Allele frequency attached by ClinVar (database versions not stated): gnomAD exomes below 0.00001.
gnomAD v4.1: 5 of 1,614,140 alleles (0.00031%); highest among the groups gnomAD compares: East Asian, 0.0022%; no homozygotes.

Submission:

Labcorp Genetics (formerly Invitae), Labcorp
Classification: Uncertain significance for Joubert syndrome; Meckel-Gruber syndrome. Last evaluated: 2023-11-27. Review status: criteria provided, single submitter. Criteria: Invitae Variant Classification Sherloc (09022015). Collection method: clinical testing. Allele origin: germline.
Comment: This sequence change replaces alanine, which is neutral and non-polar, with serine, which is neutral and polar, at codon 19 of the TMEM67 protein (p.Ala19Ser). This variant is present in population databases (no rsID available, gnomAD 0.0009%). This variant has not been reported in the literature in individuals affected with TMEM67-related conditions. ClinVar contains an entry for this variant (Variation ID: 1391815). Advanced modeling of protein sequence and biophysical properties (such as structural, functional, and spatial information, amino acid conservation, physicochemical variation, residue mobility, and thermodynamic stability) performed at Invitae indicates that this missense variant is not expected to disrupt TMEM67 protein function with a negative predictive value of 95%. In summary, the available evidence is currently insufficient to determine the role of this variant in disease. Therefore, it has been classified as a Variant of Uncertain Significance.